The following is an entry in ClinVar:

ClinVar aggregate classification (germline): Pathogenic (1 of 4 stars; one submission).

Submission:

Labcorp Genetics (formerly Invitae), Labcorp
Classification: Pathogenic. Last evaluated: 2021-07-14. Review status: criteria provided, single submitter. Criteria: Invitae Variant Classification Sherloc (09022015). Collection method: clinical testing. Allele origin: germline.
Comment: This sequence change creates a premature translational stop signal (p.Arg1270Alafs*17) in the COL2A1 gene. It is expected to result in an absent or disrupted protein product. Loss-of-function variants in COL2A1 are known to be pathogenic (PMID: 20179744). This variant is not present in population databases (ExAC no frequency). This variant has not been reported in the literature in individuals affected with COL2A1-related conditions. For these reasons, this variant has been classified as Pathogenic.

Literature cited by the submitters: PubMed 20179744.

NM_001844.5(COL2A1):c.3808del (p.Arg1270fs)

Gene: COL2A1 (collagen type II alpha 1 chain; minus strand). Cytogenetic location: 12q13.11.
Variant type: Deletion.
Coding change: c.3808del on transcript NM_001844.5 (MANE Select); coding-DNA position 3808, one base deleted (C; older notation c.3808delC).
Protein change: p.Arg1270fs; shifts the reading frame from arginine 1270.
Molecular consequence: frameshift variant.
Genome position (GRCh38, 1-based): chr12:47,975,395, G deleted on the plus strand (C on the coding strand, the reverse complement: COL2A1 is on the minus strand); the first of 2 consecutive G bases (chr12:47,975,395-47,975,396); deleting either gives the same sequence. VCF-style (leftmost placement, unchanged base first): chr12-47975394-CG-C. GRCh37 (hg19) VCF-style: chr12-48369177-CG-C.
Other names: c.3601del, p.Arg1201fs (NM_033150.3); short protein forms R1201fs, R1270fs.
Identifiers: ClinVar variation 1368277 (VCV001368277.6), dbSNP rs2136511168, ClinGen allele CA2573148594.